The following is an entry in ClinVar:

ClinVar aggregate classification (germline): Likely pathogenic (1 of 4 stars; one submission).

Conditions:
Duchenne muscular dystrophy (DMD). Also called: MUSCULAR DYSTROPHY, PSEUDOHYPERTROPHIC PROGRESSIVE, DUCHENNE TYPE; Duchenne Muscular Dystrophy (DMD). Identifiers: Orphanet 98896, MedGen C0013264, MONDO:0010679, OMIM 310200.

Submission:

Labcorp Genetics (formerly Invitae), Labcorp
Classification: Likely pathogenic for Duchenne muscular dystrophy. Last evaluated: 2018-11-15. Review status: criteria provided, single submitter. Criteria: Invitae Variant Classification Sherloc (09022015). Collection method: clinical testing. Allele origin: germline.
Comment: This variant results in a copy number gain of the genomic region encompassing exons 45-55 of the DMD gene. While the exact position of this variant cannot be determined from this data, sub-genic copy number gains are generally in tandem (PMID: 25640679). This variant would be expected to be in-frame, preserving the integrity of the reading frame. A similar duplication of exons 45-55 has been observed in individuals affected with Duchenne muscular dystrophy or Becker muscular dystrophy, and one of these individuals also has a second DMD duplication event (PMID:Â¬â€ 16917894). Sub-genic duplication of exons 50-55 has been determined to be pathogenic (PMID: 12111668, 16917894, Invitae). Therefore, duplications that fully encompass that region are also expected to be pathogenic. In summary, the currently available evidence indicates that the variant is pathogenic, but additional data are needed to prove that conclusively. Therefore, this variant has been classified as Likely Pathogenic.

Literature cited by the submitters: PubMed 12111668; PubMed 16917894.

NM_004006.2(DMD):c.6439-10_8217+32103dup

Genes: DMD (dystrophin; minus strand), LOC129391296 (MPRA-validated peak7373 silencer; plus strand). Cytogenetic location: Xp21.1.
Variant type: Duplication.
Coding change: c.6439-10_8217+32103dup on transcript NM_004006.2; 10 bases into the intron before coding-DNA position 6439 through 32103 bases into the intron after coding-DNA position 8217, this stretch duplicated.
Other names: c.6439-10_8217+32103dup (LRG_199t1).
Identifiers: ClinVar variation 650539 (VCV000650539.1).